The following is an entry in ClinVar:

ClinVar aggregate classification (germline): Conflicting classifications of pathogenicity. Review status: criteria provided, conflicting classifications (1 of 4 stars). 2 submissions from 2 submitters: Uncertain significance (1); Likely benign (1). Last evaluated 2022-08-15.

Conditions:
Inborn genetic diseases. Identifiers: MedGen C0950123, MeSH D030342.

Allele frequency attached by ClinVar (database versions not stated): ExAC 0.00002; ESP Exome Variant Server 0.00008.
gnomAD v4.1: 27 of 1,614,016 alleles (0.0017%); highest among the groups gnomAD compares: East Asian, 0.0045%; no homozygotes.

Submissions (2):

Labcorp Genetics (formerly Invitae), Labcorp
Classification: Uncertain significance. Last evaluated: 2022-08-15. Review status: criteria provided, single submitter. Criteria: Invitae Variant Classification Sherloc (09022015). Collection method: clinical testing. Allele origin: germline.
Comment: This sequence change replaces arginine, which is basic and polar, with histidine, which is basic and polar, at codon 3999 of the USH2A protein (p.Arg3999His). This variant is present in population databases (rs367631313, gnomAD 0.02%). This variant has not been reported in the literature in individuals affected with USH2A-related conditions. Algorithms developed to predict the effect of missense changes on protein structure and function output the following: SIFT: "Tolerated"; PolyPhen-2: "Benign"; Align-GVGD: "Class C0". The histidine amino acid residue is found in multiple mammalian species, which suggests that this missense change does not adversely affect protein function. In summary, the available evidence is currently insufficient to determine the role of this variant in disease. Therefore, it has been classified as a Variant of Uncertain Significance.

Ambry Genetics
Classification: Likely benign for Inborn genetic diseases. Last evaluated: 2022-05-27. Review status: criteria provided, single submitter. Criteria: Ambry Variant Classification Scheme 2023. Collection method: clinical testing. Allele origin: germline.

NM_206933.4(USH2A):c.11996G>A (p.Arg3999His)

Gene: USH2A (usherin; minus strand). Cytogenetic location: 1q41.
Variant type: single nucleotide variant.
Coding change: c.11996G>A on transcript NM_206933.4 (MANE Select); coding-DNA position 11996, G replaced by A.
Protein change: p.Arg3999His; replaces arginine 3999 with histidine.
Molecular consequence: missense variant.
Genome position (GRCh38, 1-based): chr1:215,728,100, C>T on the plus strand (G>A on the coding strand, the complement: USH2A is on the minus strand). VCF-style: chr1-215728100-C-T. GRCh37 (hg19) VCF-style: chr1-215901442-C-T.
Other names: c.11996G>A (NM_206933.2); short protein forms R3999H.
Identifiers: ClinVar variation 2199199 (VCV002199199.2), dbSNP rs367631313, ClinGen allele CA1393586.